The following is an entry in ClinVar:

NM_001355436.2(SPTB):c.1569del (p.Arg523fs)

Gene: SPTB (spectrin beta, erythrocytic; minus strand). Cytogenetic location: 14q23.3.
Variant type: Deletion.
Coding change: c.1569del on transcript NM_001355436.2 (MANE Select); coding-DNA position 1569, one base deleted (G; older notation c.1569delG).
Protein change: p.Arg523fs; shifts the reading frame from arginine 523.
Molecular consequence: frameshift variant.
Genome position (GRCh38, 1-based): chr14:64,795,412, C deleted on the plus strand (G on the coding strand, the reverse complement: SPTB is on the minus strand); the first of 2 consecutive C bases (chr14:64,795,412-64,795,413); deleting either gives the same sequence. VCF-style (leftmost placement, unchanged base first): chr14-64795411-GC-G. GRCh37 (hg19) VCF-style: chr14-65262129-GC-G.
Other names: c.1569del, p.Arg523fs (NM_001024858.4, NM_001355437.2); short protein forms R523fs.
Identifiers: ClinVar variation 3725619 (VCV003725619.2).

ClinVar aggregate classification (germline): Pathogenic (1 of 4 stars; one submission).

Submission:

Labcorp Genetics (formerly Invitae), Labcorp
Classification: Pathogenic. Last evaluated: 2024-11-19. Review status: criteria provided, single submitter. Criteria: Invitae Variant Classification Sherloc (09022015). Collection method: clinical testing. Allele origin: germline.
Comment: This sequence change creates a premature translational stop signal (p.Arg523Serfs*50) in the SPTB gene. It is expected to result in an absent or disrupted protein product. Loss-of-function variants in SPTB are known to be pathogenic (PMID: 1391962, 1498324, 8844207, 26830532, 27292444). This variant is not present in population databases (gnomAD no frequency). This variant has not been reported in the literature in individuals affected with SPTB-related conditions. For these reasons, this variant has been classified as Pathogenic.

Literature cited by the submitters: PubMed 1391962; PubMed 1498324; PubMed 8844207; PubMed 26830532; PubMed 27292444.